The following is an entry in ClinVar:

NM_018060.4(IARS2):c.1057A>G (p.Thr353Ala)

Gene: IARS2 (isoleucyl-tRNA synthetase 2, mitochondrial; plus strand). Cytogenetic location: 1q41.
Variant type: single nucleotide variant.
Coding change: c.1057A>G on transcript NM_018060.4 (MANE Select); coding-DNA position 1057, A replaced by G.
Protein change: p.Thr353Ala; replaces threonine 353 with alanine.
Molecular consequence: missense variant.
Genome position (GRCh38, 1-based): chr1:220,103,553, A>G. VCF-style: chr1-220103553-A-G. GRCh37 (hg19) VCF-style: chr1-220276895-A-G.
Other names: short protein forms T353A.
Identifiers: ClinVar variation 1919808 (VCV001919808.29), dbSNP rs141215374, ClinGen allele CA1401287.

ClinVar aggregate classification (germline): Uncertain significance. Review status: criteria provided, multiple submitters, no conflicts (2 of 4 stars). 2 submissions from 2 submitters: Uncertain significance (2). Last evaluated 2023-08-01.

gnomAD v4.1: 8 of 1,600,970 alleles (0.0005%); highest among the groups gnomAD compares: Non-Finnish European, 0.0006%; no homozygotes.

Submissions (2):

CeGaT Center for Human Genetics Tuebingen
Classification: Uncertain significance. Last evaluated: 2023-08-01. Review status: criteria provided, single submitter. Criteria: CeGaT Center For Human Genetics Tuebingen Variant Classification Criteria Version 2. Collection method: clinical testing. Allele origin: germline. Affected: yes. Observed: 1 variant allele.
Comment: IARS2: PM2, BP4

Labcorp Genetics (formerly Invitae), Labcorp
Classification: Uncertain significance. Last evaluated: 2022-09-27. Review status: criteria provided, single submitter. Criteria: Invitae Variant Classification Sherloc (09022015). Collection method: clinical testing. Allele origin: germline.
Comment: In summary, the available evidence is currently insufficient to determine the role of this variant in disease. Therefore, it has been classified as a Variant of Uncertain Significance. Algorithms developed to predict the effect of missense changes on protein structure and function (SIFT, PolyPhen-2, Align-GVGD) all suggest that this variant is likely to be tolerated. This variant has not been reported in the literature in individuals affected with IARS2-related conditions. This variant is present in population databases (rs141215374, gnomAD 0.003%). This sequence change replaces threonine, which is neutral and polar, with alanine, which is neutral and non-polar, at codon 353 of the IARS2 protein (p.Thr353Ala).